The following is an entry in ClinVar:

ClinVar aggregate classification (germline): Uncertain significance (1 of 4 stars; one submission).

Allele frequency attached by ClinVar (database versions not stated): gnomAD exomes below 0.00001; TOPMed below 0.00001.
gnomAD v4.1: 2 of 1,611,784 alleles (0.00012%); highest among the groups gnomAD compares: Non-Finnish European, 0.00017%; no homozygotes.

Submission:

Labcorp Genetics (formerly Invitae), Labcorp
Classification: Uncertain significance. Last evaluated: 2022-02-08. Review status: criteria provided, single submitter. Criteria: Invitae Variant Classification Sherloc (09022015). Collection method: clinical testing. Allele origin: germline.
Comment: In summary, the available evidence is currently insufficient to determine the role of this variant in disease. Therefore, it has been classified as a Variant of Uncertain Significance. Algorithms developed to predict the effect of missense changes on protein structure and function (SIFT, PolyPhen-2, Align-GVGD) all suggest that this variant is likely to be disruptive. This variant has not been reported in the literature in individuals affected with DRAM2-related conditions. This variant is not present in population databases (gnomAD no frequency). This sequence change replaces glutamine, which is neutral and polar, with glutamic acid, which is acidic and polar, at codon 139 of the DRAM2 protein (p.Gln139Glu).

NM_001349884.2(DRAM2):c.415C>G (p.Gln139Glu)

Gene: DRAM2 (DNA damage regulated autophagy modulator 2; minus strand). Cytogenetic location: 1p13.3.
Variant type: single nucleotide variant.
Coding change: c.415C>G on transcript NM_001349884.2 (MANE Select); coding-DNA position 415, C replaced by G.
Protein change: p.Gln139Glu; replaces glutamine 139 with glutamic acid.
Molecular consequence: missense variant. On other transcripts: non-coding transcript variant (8).
Genome position (GRCh38, 1-based): chr1:111,120,618, G>C on the plus strand (C>G on the coding strand, the complement: DRAM2 is on the minus strand). VCF-style: chr1-111120618-G-C. GRCh37 (hg19) VCF-style: chr1-111663240-G-C.
Other names: c.415C>G, p.Gln139Glu (NM_001349881.2, NM_001349882.2, NM_001349885.2 and 1 more transcripts); c.145C>G, p.Gln49Glu (NM_001349886.2, NM_001349887.2, NM_001349888.2); c.25C>G, p.Gln9Glu (NM_001349889.2, NM_001349890.2, NM_001349891.2 and 2 more transcripts); short protein forms Q139E, Q49E, Q9E.
Identifiers: ClinVar variation 1497133 (VCV001497133.8), dbSNP rs1376194917, ClinGen allele CA341818957.